The following is an entry in ClinVar:

ClinVar aggregate classification (germline): Uncertain significance (1 of 4 stars; one submission).

Submission:

Labcorp Genetics (formerly Invitae), Labcorp
Classification: Uncertain significance. Last evaluated: 2023-03-31. Review status: criteria provided, single submitter. Criteria: Invitae Variant Classification Sherloc (09022015). Collection method: clinical testing. Allele origin: germline.
Comment: Advanced modeling of protein sequence and biophysical properties (such as structural, functional, and spatial information, amino acid conservation, physicochemical variation, residue mobility, and thermodynamic stability) performed at Invitae indicates that this missense variant is not expected to disrupt CNNM2 protein function. In summary, the available evidence is currently insufficient to determine the role of this variant in disease. Therefore, it has been classified as a Variant of Uncertain Significance. This variant has not been reported in the literature in individuals affected with CNNM2-related conditions. This variant is not present in population databases (gnomAD no frequency). This sequence change replaces valine, which is neutral and non-polar, with isoleucine, which is neutral and non-polar, at codon 497 of the CNNM2 protein (p.Val497Ile).

NM_017649.5(CNNM2):c.1489G>A (p.Val497Ile)

Gene: CNNM2 (cyclin and CBS domain divalent metal cation transport mediator 2; plus strand). Cytogenetic location: 10q24.32.
Variant type: single nucleotide variant.
Coding change: c.1489G>A on transcript NM_017649.5 (MANE Select); coding-DNA position 1489, G replaced by A.
Protein change: p.Val497Ile; replaces valine 497 with isoleucine.
Molecular consequence: missense variant.
Genome position (GRCh38, 1-based): chr10:102,919,969, G>A. VCF-style: chr10-102919969-G-A. GRCh37 (hg19) VCF-style: chr10-104679726-G-A.
Other names: c.1489G>A, p.Val497Ile (NM_199076.3, NM_199077.3); short protein forms V497I.
Identifiers: ClinVar variation 2968216 (VCV002968216.3), dbSNP rs2493377235, ClinGen allele CA377961476.